The following is an entry in ClinVar:

ClinVar aggregate classification (germline): Uncertain significance (1 of 4 stars; one submission).

Conditions:
Inborn genetic diseases. Identifiers: MedGen C0950123, MeSH D030342.

gnomAD v4.1: 1 of 1,613,728 alleles (0.000062%); highest among the groups gnomAD compares: Non-Finnish European, 0.000085%; no homozygotes.

Submission:

Ambry Genetics
Classification: Uncertain significance for Inborn genetic diseases. Last evaluated: 2025-11-15. Review status: criteria provided, single submitter. Criteria: Ambry Variant Classification Scheme 2023. Collection method: clinical testing. Allele origin: germline.
Comment: The p.F1572S variant (also known as c.4715T>C), located in coding exon 1 of the SAMD9 gene, results from a T to C substitution at nucleotide position 4715. The phenylalanine at codon 1572 is replaced by serine, an amino acid with highly dissimilar properties. This amino acid position is conserved. In addition, the in silico prediction for this alteration is inconclusive. Based on the available evidence, the clinical significance of this variant remains unclear.

NM_017654.4(SAMD9):c.4715T>C (p.Phe1572Ser)

Gene: SAMD9 (sterile alpha motif domain containing 9; minus strand). Cytogenetic location: 7q21.2.
Variant type: single nucleotide variant.
Coding change: c.4715T>C on transcript NM_017654.4 (MANE Select); coding-DNA position 4715, T replaced by C.
Protein change: p.Phe1572Ser; replaces phenylalanine 1572 with serine.
Molecular consequence: missense variant.
Genome position (GRCh38, 1-based): chr7:93,101,383, A>G on the plus strand (T>C on the coding strand, the complement: SAMD9 is on the minus strand). VCF-style: chr7-93101383-A-G. GRCh37 (hg19) VCF-style: chr7-92730696-A-G.
Other names: c.4715T>C, p.Phe1572Ser (NM_001193307.2); short protein forms F1572S.
Identifiers: ClinVar variation 4629943 (VCV004629943.1).